The following is an entry in ClinVar:

ClinVar aggregate classification (germline): Likely benign (0 of 4 stars; one submission).

Conditions:
CACNA2D3-related disorder. Also called: CACNA2D3-related condition.

Allele frequency attached by ClinVar (database versions not stated): 1000 Genomes Project 0.00060; 1000 Genomes Project 30x 0.00062; ExAC 0.00146; TOPMed 0.00147; gnomAD 0.00163; ESP Exome Variant Server 0.00232.
gnomAD v4.1: 3,832 of 1,613,732 alleles (0.24%); highest among the groups gnomAD compares: Non-Finnish European, 0.28%; 5 homozygotes.

Submission:

PreventionGenetics, part of Exact Sciences
Classification: Likely benign for CACNA2D3-related condition. Last evaluated: 2023-12-05. Review status: no assertion criteria provided. Collection method: clinical testing. Allele origin: germline.
Comment: This variant is classified as likely benign based on ACMG/AMP sequence variant interpretation guidelines (Richards et al. 2015 PMID: 25741868, with internal and published modifications).

NM_018398.3(CACNA2D3):c.1398+8C>T

Gene: CACNA2D3 (calcium voltage-gated channel auxiliary subunit alpha2delta 3; plus strand). Cytogenetic location: 3p14.3.
Variant type: single nucleotide variant.
Coding change: c.1398+8C>T on transcript NM_018398.3 (MANE Select); 8 bases into the intron after coding-DNA position 1398, C replaced by T.
Molecular consequence: intron variant.
Genome position (GRCh38, 1-based): chr3:54,816,878, C>T. VCF-style: chr3-54816878-C-T. GRCh37 (hg19) VCF-style: chr3-54850905-C-T.
Identifiers: ClinVar variation 3033593 (VCV003033593.2), dbSNP rs200268240, ClinGen allele CA2457723.